The following is an entry in ClinVar:

NM_006514.4(SCN10A):c.2026G>A (p.Val676Met)

Gene: SCN10A (sodium voltage-gated channel alpha subunit 10; minus strand). Cytogenetic location: 3p22.2.
Variant type: single nucleotide variant.
Coding change: c.2026G>A on transcript NM_006514.4 (MANE Select); coding-DNA position 2026, G replaced by A.
Protein change: p.Val676Met; replaces valine 676 with methionine.
Molecular consequence: missense variant.
Genome position (GRCh38, 1-based): chr3:38,742,371, C>T on the plus strand (G>A on the coding strand, the complement: SCN10A is on the minus strand). VCF-style: chr3-38742371-C-T. GRCh37 (hg19) VCF-style: chr3-38783862-C-T.
Other names: c.2026G>A, p.Val676Met (NM_001293306.2); c.1732G>A, p.Val578Met (NM_001293307.2); short protein forms V676M, V578M.
Identifiers: ClinVar variation 546194 (VCV000546194.10), dbSNP rs576503650, ClinGen allele CA2320672.

ClinVar aggregate classification (germline): Conflicting classifications of pathogenicity. Review status: criteria provided, conflicting classifications (1 of 4 stars). 4 submissions from 4 submitters: Uncertain significance (3); Likely benign (1). Last evaluated 2026-06-16.

Conditions:
Brugada syndrome. Also called: Sudden unexplained nocturnal death syndrome; Sudden Unexplained Death Syndrome; Sudden Unexplained Nocturnal Death Syndrome (SUNDS); Sudden unexpected nocturnal death syndrome. Identifiers: Orphanet 130, MedGen C1142166, MONDO:0015263.
Cardiovascular phenotype. Identifiers: MedGen CN230736.

Allele frequency attached by ClinVar (database versions not stated): 1000 Genomes Project 30x 0.00016; gnomAD 0.00003 and 0.00004; gnomAD exomes 0.00005 and 0.00008; 1000 Genomes Project 0.00020; TOPMed 0.00004; ExAC 0.00012.
gnomAD v4.1: 72 of 1,614,130 alleles (0.0045%); highest among the groups gnomAD compares: South Asian, 0.038%; no homozygotes.

Submissions (4):

Women's Health and Genetics/Laboratory Corporation of America, LabCorp
Classification: Uncertain significance. Last evaluated: 2026-06-16. Review status: criteria provided, single submitter. Criteria: LabCorp Variant Classification Summary - May 2015. Collection method: clinical testing. Allele origin: germline.
Comment: Variant summary: SCN10A c.2026G>A (p.Val676Met) results in a conservative amino acid change in the encoded protein sequence. Algorithms developed to predict the effect of missense changes on protein structure and function are either unavailable or do not agree on the potential impact of this missense change. The variant allele was found at a frequency of 8.4e-05 in 251414 control chromosomes. This frequency is not significantly higher than estimated for disease-causing variants in SCN10A, allowing no conclusion about variant significance. To our knowledge, no occurrence of c.2026G>A in individuals affected with SCN10A-related conditions and no experimental evidence demonstrating its impact on protein function have been reported. ClinVar contains an entry for this variant (Variation ID: 546194). Based on the evidence outlined above, the variant was classified as uncertain significance.

Labcorp Genetics (formerly Invitae), Labcorp
Classification: Uncertain significance for Brugada syndrome. Last evaluated: 2025-07-22. Review status: criteria provided, single submitter. Criteria: Invitae Variant Classification Sherloc (09022015). Collection method: clinical testing. Allele origin: germline.
Comment: This sequence change replaces valine, which is neutral and non-polar, with methionine, which is neutral and non-polar, at codon 676 of the SCN10A protein (p.Val676Met). This variant is present in population databases (rs576503650, gnomAD 0.05%). This variant has not been reported in the literature in individuals affected with SCN10A-related conditions. ClinVar contains an entry for this variant (Variation ID: 546194). Invitae Evidence Modeling of protein sequence and biophysical properties (such as structural, functional, and spatial information, amino acid conservation, physicochemical variation, residue mobility, and thermodynamic stability) has been performed for this missense variant. However, the output from this modeling did not meet the statistical confidence thresholds required to predict the impact of this variant on SCN10A protein function. In summary, the available evidence is currently insufficient to determine the role of this variant in disease. Therefore, it has been classified as a Variant of Uncertain Significance.

Ambry Genetics
Classification: Likely benign for Cardiovascular phenotype. Last evaluated: 2022-01-26. Review status: criteria provided, single submitter. Criteria: Ambry Variant Classification Scheme 2023. Collection method: clinical testing. Allele origin: germline.

GeneDx
Classification: Uncertain significance. Last evaluated: 2018-05-03. Review status: criteria provided, single submitter. Criteria: GeneDx Variant Classification (06012015). Collection method: clinical testing. Allele origin: germline. Affected: yes.
Comment: A variant of uncertain significance has been identified in the SCN10A gene. The V676M variant has not been published as a pathogenic variant, nor has it been reported as a benign variant to our knowledge. The V676M variant is observed in 16/30780 (0.05%) alleles from individuals of South Asian background in large population cohorts (Lek et al., 2016). The V676M variant is a conservative amino acid substitution, which is not likely to impact secondary protein structure as these residues share similar properties. In-silico analyses, including protein predictors and evolutionary conservation, support a deleterious effect. Therefore, based on the currently available information, it is unclear whether this variant is a pathogenic variant or a rare benign variant.